The following is an entry in ClinVar:

NM_018723.4(RBFOX1):c.413G>T (p.Gly138Val)

Genes: RBFOX1 (RNA binding fox-1 homolog 1; plus strand), LOC126862278 (CDK7 strongly-dependent group 2 enhancer GRCh37_chr16:7629446-7630645; plus strand). Cytogenetic location: 16p13.3.
Variant type: single nucleotide variant.
Coding change: c.413G>T on transcript NM_018723.4 (MANE Select); coding-DNA position 413, G replaced by T.
Protein change: p.Gly138Val; replaces glycine 138 with valine.
Molecular consequence: missense variant.
Genome position (GRCh38, 1-based): chr16:7,579,919, G>T. VCF-style: chr16-7579919-G-T. GRCh37 (hg19) VCF-style: chr16-7629921-G-T.
Other names: c.473G>T, p.Gly158Val (NM_001415904.1, NM_001415906.1, NM_001415896.1 and 4 more transcripts); c.488G>T, p.Gly163Val (NM_001415905.1, NM_001415913.1, NM_001415890.1 and 4 more transcripts); c.542G>T, p.Gly181Val (NM_001415907.1, NM_001415908.1, NM_001308117.1 and 5 more transcripts); c.521G>T, p.Gly174Val (NM_001415909.1, NM_001415910.1, NM_001415912.1 and 5 more transcripts); c.419G>T, p.Gly140Val (NM_001415911.1, NM_001415902.1, NM_001415917.1); c.413G>T, p.Gly138Val (NM_001142333.2, NM_001142334.2, NM_001364800.2 and 1 more transcripts); c.1010G>T, p.Gly337Val (NM_001415887.1, NM_001415888.1); c.473G>T (NM_145891.2); short protein forms G140V, G174V, G181V, G337V, G158V, G138V, G163V.
Identifiers: ClinVar variation 3723921 (VCV003723921.3).

ClinVar aggregate classification (germline): Uncertain significance. Review status: criteria provided, multiple submitters, no conflicts (2 of 4 stars). 2 submissions from 2 submitters: Uncertain significance (2). Last evaluated 2025-10-29.

Conditions:
Idiopathic generalized epilepsy. Also called: EIG; Generalised epilepsy. Identifiers: MedGen C0270850, MONDO:0005579, OMIM 600669.
Inborn genetic diseases. Identifiers: MedGen C0950123, MeSH D030342.

Submissions (2):

Ambry Genetics
Classification: Uncertain significance for Inborn genetic diseases. Last evaluated: 2025-10-29. Review status: criteria provided, single submitter. Criteria: Ambry Variant Classification Scheme 2023. Collection method: clinical testing. Allele origin: germline.

Labcorp Genetics (formerly Invitae), Labcorp
Classification: Uncertain significance for Idiopathic generalized epilepsy. Last evaluated: 2024-10-28. Review status: criteria provided, single submitter. Criteria: Invitae Variant Classification Sherloc (09022015). Collection method: clinical testing. Allele origin: germline.
Comment: This sequence change replaces glycine, which is neutral and non-polar, with valine, which is neutral and non-polar, at codon 158 of the RBFOX1 protein (p.Gly158Val). This variant is not present in population databases (gnomAD no frequency). This variant has not been reported in the literature in individuals affected with RBFOX1-related conditions. An algorithm developed to predict the effect of missense changes on protein structure and function (PolyPhen-2) suggests that this variant is likely to be disruptive. In summary, the available evidence is currently insufficient to determine the role of this variant in disease. Therefore, it has been classified as a Variant of Uncertain Significance.